The following is an entry in ClinVar:

ClinVar aggregate classification (germline): Pathogenic (1 of 4 stars; one submission).

Submission:

GeneDx
Classification: Pathogenic. Last evaluated: 2025-02-06. Review status: criteria provided, single submitter. Criteria: GeneDx Variant Classification Process June 2021. Collection method: clinical testing. Allele origin: germline. Affected: yes.
Comment: Nonsense variant predicted to result in protein truncation or nonsense mediated decay in a gene for which loss of function is a known mechanism of disease; Not observed at significant frequency in large population cohorts (gnomAD); This variant is associated with the following publications: (PMID: 31530938)

NM_020732.3:c.4552C>T

Gene: ARID1B (AT-rich interaction domain 1B; plus strand).
Variant type: single nucleotide variant.
Other names: c.4552C>T (NM_020732.3).
Identifiers: ClinVar variation 4074372 (VCV004074372.1).